The following is an entry in ClinVar:

NM_012210.4(TRIM32):c.325C>T (p.Arg109Trp)

Genes: ASTN2 (astrotactin 2; minus strand), TRIM32 (tripartite motif containing 32; plus strand). Cytogenetic location: 9q33.1.
Variant type: single nucleotide variant.
Coding change: c.325C>T on transcript NM_012210.4 (MANE Select); coding-DNA position 325, C replaced by T.
Protein change: p.Arg109Trp; replaces arginine 109 with tryptophan.
Molecular consequence: missense variant. On other transcripts: intron variant (3).
Genome position (GRCh38, 1-based): chr9:116,698,067, C>T. VCF-style: chr9-116698067-C-T. GRCh37 (hg19) VCF-style: chr9-119460346-C-T.
Other names: c.325C>T, p.Arg109Trp (NM_001099679.2, NM_001379048.1, NM_001379049.1 and 1 more transcripts); c.2653+27704G>A (NM_014010.5); c.2794+27704G>A (NM_001365069.1); c.2806+27704G>A (NM_001365068.1); short protein forms R109W.
Identifiers: ClinVar variation 837259 (VCV000837259.12), dbSNP rs776796546, ClinGen allele CA5210944.
Genomic context (GRCh38, chr9:116,698,067, plus strand): 5'-GCTGGGCTCAGCGAGGCTGTGGGGCTGCTCATGTGTCGGTCCTGTGGGCGGCGTCTGCCC[C>T]GGCAATTCTGCCGGAGCTGTGGTTTGGTGTTATGTGAGCCCTGCCGGGAGGCAGACCATC-3'
Protein context (NP_036342.2, residues 99-119): MCRSCGRRLP[Arg109Trp]QFCRSCGLVL

ClinVar aggregate classification (germline): Uncertain significance. Review status: criteria provided, multiple submitters, no conflicts (2 of 4 stars). 3 submissions from 3 submitters: Uncertain significance (3). Last evaluated 2024-04-10.

Conditions:
Bardet-Biedl syndrome (BBS). Identifiers: Orphanet 110, MedGen C0752166, MONDO:0015229.
Sarcotubular myopathy (LGMDR8). Also called: Autosomal recessive limb-girdle muscular dystrophy type 2H; MUSCULAR DYSTROPHY, LIMB-GIRDLE, AUTOSOMAL RECESSIVE 8; Hutterite type of muscular dystrophy; Limb-girdle muscular dystrophy, type 2H. Identifiers: Orphanet 1878, MedGen C0270968, MONDO:0009683, OMIM 254110.
Bardet-Biedl syndrome 11 (BBS11). Identifiers: Orphanet 110, MedGen C1859569, MONDO:0014439, OMIM 615988.

Allele frequency attached by ClinVar (database versions not stated): TOPMed below 0.00001; ExAC 0.00001; gnomAD 0.00001; gnomAD exomes 0.00002 and 0.00001.
gnomAD v4.1: 37 of 1,613,920 alleles (0.0023%); highest among the groups gnomAD compares: Non-Finnish European, 0.0029%; no homozygotes.

Submissions (3):

Fulgent Genetics
Classification: Uncertain significance for Sarcotubular myopathy; Bardet-Biedl syndrome 11. Last evaluated: 2024-04-10. Review status: criteria provided, single submitter. Criteria: ACMG Guidelines, 2015. Collection method: clinical testing. Allele origin: germline.

Labcorp Genetics (formerly Invitae), Labcorp
Classification: Uncertain significance for Bardet-Biedl syndrome. Last evaluated: 2022-10-13. Review status: criteria provided, single submitter. Criteria: Invitae Variant Classification Sherloc (09022015). Collection method: clinical testing. Allele origin: germline.
Comment: This sequence change replaces arginine, which is basic and polar, with tryptophan, which is neutral and slightly polar, at codon 109 of the TRIM32 protein (p.Arg109Trp). This variant is present in population databases (rs776796546, gnomAD 0.002%). This variant has not been reported in the literature in individuals affected with TRIM32-related conditions. ClinVar contains an entry for this variant (Variation ID: 837259). Algorithms developed to predict the effect of missense changes on protein structure and function (SIFT, PolyPhen-2, Align-GVGD) all suggest that this variant is likely to be disruptive. In summary, the available evidence is currently insufficient to determine the role of this variant in disease. Therefore, it has been classified as a Variant of Uncertain Significance.

Revvity Omics, Revvity
Classification: Uncertain significance. Last evaluated: 2022-05-11. Review status: criteria provided, single submitter. Criteria: ACMG Guidelines, 2015. Collection method: clinical testing. Allele origin: germline.